The following is an entry in ClinVar:

NM_021830.5(TWNK):c.1074C>A (p.Thr358=)

Gene: TWNK (twinkle mtDNA helicase; plus strand). Cytogenetic location: 10q24.31.
Variant type: single nucleotide variant.
Coding change: c.1074C>A on transcript NM_021830.5 (MANE Select); coding-DNA position 1074, C replaced by A.
Protein change: p.Thr358=; no amino-acid change (threonine 358 retained).
Molecular consequence: synonymous variant. On other transcripts: non-coding transcript variant (4), intron variant (3).
Genome position (GRCh38, 1-based): chr10:100,989,284, C>A. VCF-style: chr10-100989284-C-A. GRCh37 (hg19) VCF-style: chr10-102749041-C-A.
Other names: c.1074C>A, p.Thr358= (NM_001163812.2); c.-119-360C>A (NM_001163814.2, NM_001163813.2); c.-57-422C>A (NM_001368275.1).
Identifiers: ClinVar variation 2640764 (VCV002640764.28), dbSNP rs777394722, ClinGen allele CA471269011.

ClinVar aggregate classification (germline): Conflicting classifications of pathogenicity. Review status: criteria provided, conflicting classifications (1 of 4 stars). 3 submissions from 3 submitters: Uncertain significance (1); Likely benign (2). Last evaluated 2024-10-15.

Allele frequency attached by ClinVar (database versions not stated): gnomAD 0.00001; TOPMed 0.00001.
gnomAD v4.1: 3 of 1,614,034 alleles (0.00019%); highest among the groups gnomAD compares: Non-Finnish European, 0.00025%; no homozygotes.

Submissions (3):

Blueprint Genetics
Classification: Likely benign. Last evaluated: 2024-10-15. Review status: criteria provided, single submitter. Criteria: ACMG Guidelines, 2015. Collection method: clinical testing. Allele origin: germline.

Labcorp Genetics (formerly Invitae), Labcorp
Classification: Uncertain significance. Last evaluated: 2024-06-03. Review status: criteria provided, single submitter. Criteria: Invitae Variant Classification Sherloc (09022015). Collection method: clinical testing. Allele origin: germline.
Comment: This sequence change affects codon 358 of the TWNK mRNA. It is a 'silent' change, meaning that it does not change the encoded amino acid sequence of the TWNK protein. This variant is not present in population databases (gnomAD no frequency). This variant has not been reported in the literature in individuals affected with TWNK-related conditions. ClinVar contains an entry for this variant (Variation ID: 2640764). Algorithms developed to predict the effect of sequence changes on RNA splicing suggest that this variant may create or strengthen a splice site. In summary, the available evidence is currently insufficient to determine the role of this variant in disease. Therefore, it has been classified as a Variant of Uncertain Significance.

CeGaT Center for Human Genetics Tuebingen
Classification: Likely benign. Last evaluated: 2023-07-01. Review status: criteria provided, single submitter. Criteria: CeGaT Center For Human Genetics Tuebingen Variant Classification Criteria Version 2. Collection method: clinical testing. Allele origin: germline. Affected: yes. Observed: 1 variant allele.
Comment: TWNK: BP4, BP7